The following is an entry in ClinVar:

NM_000093.5(COL5A1):c.5034G>A (p.Ser1678=)

Genes: COL5A1 (collagen type V alpha 1 chain; plus strand), LOC101448202 (uncharacterized LOC101448202; minus strand). Cytogenetic location: 9q34.3.
Variant type: single nucleotide variant.
Coding change: c.5034G>A on transcript NM_000093.5 (MANE Select); coding-DNA position 5034, G replaced by A.
Protein change: p.Ser1678=; no amino-acid change (serine 1678 retained).
Molecular consequence: synonymous variant.
Genome position (GRCh38, 1-based): chr9:134,825,871, G>A. VCF-style: chr9-134825871-G-A. GRCh37 (hg19) VCF-style: chr9-137717717-G-A.
Other names: p.S1678S:TCG>TCA; p.Ser1678=; c.5034G>A, p.Ser1678= (NM_001278074.1).
Identifiers: ClinVar variation 136906 (VCV000136906.31), dbSNP rs148006741, ClinGen allele CA290304.

ClinVar aggregate classification (germline): Benign/Likely benign. Review status: criteria provided, multiple submitters, no conflicts (2 of 4 stars). 11 submissions from 10 submitters: Benign (5); Likely benign (6). Last evaluated 2026-01-27.

Conditions:
Fibromuscular dysplasia, multifocal. Identifiers: MedGen C5543412, MONDO:0859151, OMIM 619329.
Ehlers-Danlos syndrome, classic type, 1 (EDSCL1). Also called: Ehlers-Danlos syndrome, type 1; Ehlers-Danlos Syndrome, Classic Type, COL5A1-Related; EDS I; EHLERS-DANLOS SYNDROME, GRAVIS TYPE; EHLERS-DANLOS SYNDROME, SEVERE CLASSIC TYPE. Identifiers: MedGen C0268335, MONDO:0019567, OMIM 130000.
Ehlers-Danlos syndrome (EDS). Identifiers: Orphanet 98249, MedGen C0013720, MONDO:0020066.
Ehlers-Danlos syndrome, classic type (cEDS). Identifiers: Orphanet 287, MedGen C4225429, MONDO:0007522.
Familial thoracic aortic aneurysm and aortic dissection (TAAD). Also called: Thoracic aortic aneurysms and dissections. Identifiers: Orphanet 91387, MedGen C4707243, MONDO:0019625.

Allele frequency attached by ClinVar (database versions not stated): ExAC 0.00010; gnomAD 0.00010; TOPMed 0.00014; gnomAD exomes 0.00015 and 0.00019; ESP Exome Variant Server 0.00023.
gnomAD v4.1: 284 of 1,612,834 alleles (0.018%); highest among the groups gnomAD compares: South Asian, 0.024%; no homozygotes.

Submissions (11):

Labcorp Genetics (formerly Invitae), Labcorp
Classification: Likely benign for Ehlers-Danlos syndrome, classic type, 1. Last evaluated: 2026-01-27. Review status: criteria provided, single submitter. Criteria: Invitae Variant Classification Sherloc (09022015). Collection method: clinical testing. Allele origin: germline.

CeGaT Center for Human Genetics Tuebingen
Classification: Likely benign. Last evaluated: 2026-01-01. Review status: criteria provided, single submitter. Criteria: CeGaT Center For Human Genetics Tuebingen Variant Classification Criteria Version 2. Collection method: clinical testing. Allele origin: germline. Affected: yes. Observed: 1 variant allele.
Comment: COL5A1: BP4, BP7

ARUP Laboratories, Molecular Genetics and Genomics, ARUP Laboratories
Classification: Benign. Last evaluated: 2025-07-15. Review status: criteria provided, single submitter. Criteria: ARUP Molecular Germline Variant Investigation Process 2024. Collection method: clinical testing. Allele origin: germline.

Mayo Clinic Laboratories, Mayo Clinic
Classification: Likely benign. Last evaluated: 2025-02-11. Review status: criteria provided, single submitter. Criteria: ACMG Guidelines, 2015. Collection method: clinical testing. Allele origin: germline. Observed: 2 variant alleles.
Comment: BS1, BP4, BP7

Women's Health and Genetics/Laboratory Corporation of America, LabCorp
Classification: Benign. Last evaluated: 2023-07-29. Review status: criteria provided, single submitter. Criteria: LabCorp Variant Classification Summary - May 2015. Collection method: clinical testing. Allele origin: germline.

Genome-Nilou Lab
Classification: Benign for Ehlers-Danlos syndrome, classic type, 1. Last evaluated: 2022-03-15. Review status: criteria provided, single submitter. Criteria: ACMG Guidelines, 2015. Collection method: clinical testing. Allele origin: germline. Affected: no.

Genome-Nilou Lab
Classification: Benign for Fibromuscular dysplasia, multifocal. Last evaluated: 2022-03-15. Review status: criteria provided, single submitter. Criteria: ACMG Guidelines, 2015. Collection method: clinical testing. Allele origin: germline. Affected: no.

Genome Diagnostics Laboratory, The Hospital for Sick Children
Classification: Likely benign for Ehlers-Danlos syndrome. Last evaluated: 2021-01-13. Review status: criteria provided, single submitter. Criteria: ACMG Guidelines, 2015. Collection method: clinical testing. Allele origin: germline.

Illumina Laboratory Services, Illumina
Classification: Likely benign for Ehlers-Danlos syndrome, classic type, 1. Last evaluated: 2018-01-12. Review status: criteria provided, single submitter. Criteria: ICSL Variant Classification Criteria 13 December 2019. Collection method: clinical testing. Allele origin: germline.
Comment: This variant was observed in the ICSL laboratory as part of a predisposition screen in an ostensibly healthy population. It had not been previously curated by ICSL or reported in the Human Gene Mutation Database (HGMD: prior to June 1st, 2018), and was therefore a candidate for classification through an automated scoring system. Utilizing variant allele frequency, disease prevalence and penetrance estimates, and inheritance mode, an automated score was calculated to assess if this variant is too frequent to cause the disease. Based on the score and internal cut-off values, a variant classified as likely benign is not then subjected to further curation. The score for this variant resulted in a classification of likely benign for this disease.

Ambry Genetics
Classification: Likely benign for Familial thoracic aortic aneurysm and aortic dissection. Last evaluated: 2015-10-16. Review status: criteria provided, single submitter. Criteria: Ambry Variant Classification Scheme 2023. Collection method: clinical testing. Allele origin: germline.

GeneDx
Classification: Benign. Last evaluated: 2014-03-01. Review status: criteria provided, single submitter. Criteria: GeneDx Variant Classification (06012015). Collection method: clinical testing. Allele origin: germline. Affected: yes.
Comment: This variant is considered likely benign or benign based on one or more of the following criteria: it is a conservative change, it occurs at a poorly conserved position in the protein, it is predicted to be benign by multiple in silico algorithms, and/or has population frequency not consistent with disease.